The following is an entry in ClinVar:

ClinVar aggregate classification (germline): Likely benign (1 of 4 stars; one submission).

Conditions:
SKIC3-related disorder. Also called: SKIC3-related condition.

Submission:

PreventionGenetics, part of Exact Sciences
Classification: Likely benign for SKIC3-related condition. Last evaluated: 2025-04-19. Review status: criteria provided, single submitter. Criteria: ACMG Guidelines, 2015. Collection method: clinical testing. Allele origin: germline.
Comment: This variant is classified as likely benign based on ACMG/AMP sequence variant interpretation guidelines (Richards et al. 2015 PMID: 25741868, with internal and published modifications).

NM_014639.4(SKIC3):c.643-3A>C

Gene: SKIC3 (SKI3 subunit of superkiller complex; minus strand). Cytogenetic location: 5q15.
Variant type: single nucleotide variant.
Coding change: c.643-3A>C on transcript NM_014639.4 (MANE Select); 3 bases into the intron before coding-DNA position 643, A replaced by C.
Molecular consequence: intron variant.
Genome position (GRCh38, 1-based): chr5:95,536,928, T>G on the plus strand (A>C on the coding strand, the complement: SKIC3 is on the minus strand). VCF-style: chr5-95536928-T-G. GRCh37 (hg19) VCF-style: chr5-94872632-T-G.
Identifiers: ClinVar variation 4985387 (VCV004985387.1).